The following is an entry in ClinVar:

NC_000007.14:g.156779575T>C

Genes: LMBR1 (limb development membrane protein 1; minus strand), SHH (sonic hedgehog signaling molecule; minus strand). Cytogenetic location: 7q36.3.
Variant type: single nucleotide variant.
Molecular consequence: intron variant (on NM_022458.4).
Genome position: GRCh38 VCF-style: chr7-156779575-T-C. GRCh37 (hg19) VCF-style: chr7-156572269-T-C.
Other names: c.361-15780A>G (NM_001363412.2); c.145-15780A>G (NM_001350954.2); c.424-15780A>G (NM_001363410.2, NM_022458.4, NM_001363409.2 and 1 more transcripts); c.-34+80A>G (NM_001350958.2, NM_001350956.2, NM_001350955.2 and 1 more transcripts); c.55-15780A>G (NM_001350957.2, NM_001363411.2).
Identifiers: ClinVar variation 2783460 (VCV002783460.3), dbSNP rs2535972609, ClinGen allele CA2685816868.

ClinVar aggregate classification (germline): Uncertain significance (1 of 4 stars; one submission).

Conditions:
Holoprosencephaly 3 (HPE3). Identifiers: Orphanet 2162, MedGen C1840529, MONDO:0007733, OMIM 142945.

Submission:

Labcorp Genetics (formerly Invitae), Labcorp
Classification: Uncertain significance for Holoprosencephaly 3. Last evaluated: 2023-11-06. Review status: criteria provided, single submitter. Criteria: Invitae Variant Classification Sherloc (09022015). Collection method: clinical testing. Allele origin: germline.
Comment: This variant occurs in a non-coding region of the SHH gene. It does not change the encoded amino acid sequence of the SHH protein. This variant is not present in population databases (gnomAD no frequency). This variant has not been reported in the literature in individuals affected with SHH-related conditions. Experimental studies and prediction algorithms are not available or were not evaluated, and the functional significance of this variant is currently unknown. In summary, the available evidence is currently insufficient to determine the role of this variant in disease. Therefore, it has been classified as a Variant of Uncertain Significance.